The following is an entry in ClinVar:

NM_001148.6(ANK2):c.4231C>T (p.Leu1411Phe)

Gene: ANK2 (ankyrin 2; plus strand). Cytogenetic location: 4q26.
Variant type: single nucleotide variant.
Coding change: c.4231C>T on transcript NM_001148.6 (MANE Select); coding-DNA position 4231, C replaced by T.
Protein change: p.Leu1411Phe; replaces leucine 1411 with phenylalanine.
Molecular consequence: missense variant.
Genome position (GRCh38, 1-based): chr4:113,343,125, C>T. VCF-style: chr4-113343125-C-T. GRCh37 (hg19) VCF-style: chr4-114264281-C-T.
Other names: c.4045C>T, p.Leu1349Phe (NM_001354267.2, NM_001354276.2, NM_001386146.1 and 6 more transcripts); c.4033C>T, p.Leu1345Phe (NM_001354268.2); c.4018C>T, p.Leu1340Phe (NM_001354269.3); c.4006C>T, p.Leu1336Phe (NM_001354270.2, NM_001354253.2); c.3946C>T, p.Leu1316Phe (NM_001354271.2, NM_001386151.1, NM_001354260.2); c.4102C>T, p.Leu1368Phe (NM_001354272.2); c.3931C>T, p.Leu1311Phe (NM_001354273.2); c.4030C>T, p.Leu1344Phe (NM_001354274.2, NM_001386142.1, NM_001386154.1); and 31 more; short protein forms L1340F, L1345F, L1368F, L1401F, L1411F, L211F, L594F, L599F.
Identifiers: ClinVar variation 2889041 (VCV002889041.4), dbSNP rs2094471783, ClinGen allele CA357911591.

ClinVar aggregate classification (germline): Uncertain significance. Review status: criteria provided, multiple submitters, no conflicts (2 of 4 stars). 2 submissions from 2 submitters: Uncertain significance (2). Last evaluated 2024-12-13.

Conditions:
Long QT syndrome (LQTS). Identifiers: MedGen C0023976, MeSH D008133, MONDO:0002442. Disease mechanism: loss of function. Inheritance: Various modes of inheritance.
Cardiovascular phenotype. Identifiers: MedGen CN230736.

Allele frequency attached by ClinVar (database versions not stated): TOPMed below 0.00001.

Submissions (2):

Ambry Genetics
Classification: Uncertain significance for Cardiovascular phenotype. Last evaluated: 2024-12-13. Review status: criteria provided, single submitter. Criteria: Ambry Variant Classification Scheme 2023. Collection method: clinical testing. Allele origin: germline.
Comment: The p.L1411F variant (also known as c.4231C>T), located in coding exon 34 of the ANK2 gene, results from a C to T substitution at nucleotide position 4231. The leucine at codon 1411 is replaced by phenylalanine, an amino acid with highly similar properties. This amino acid position is conserved. In addition, this alteration is predicted to be deleterious by in silico analysis. Based on the available evidence, the clinical significance of this variant remains unclear.

Labcorp Genetics (formerly Invitae), Labcorp
Classification: Uncertain significance for Long QT syndrome. Last evaluated: 2023-01-22. Review status: criteria provided, single submitter. Criteria: Invitae Variant Classification Sherloc (09022015). Collection method: clinical testing. Allele origin: germline.
Comment: This sequence change replaces leucine, which is neutral and non-polar, with phenylalanine, which is neutral and non-polar, at codon 1411 of the ANK2 protein (p.Leu1411Phe). In summary, the available evidence is currently insufficient to determine the role of this variant in disease. Therefore, it has been classified as a Variant of Uncertain Significance. Advanced modeling of protein sequence and biophysical properties (such as structural, functional, and spatial information, amino acid conservation, physicochemical variation, residue mobility, and thermodynamic stability) performed at Invitae indicates that this missense variant is expected to disrupt ANK2 protein function. This variant has not been reported in the literature in individuals affected with ANK2-related conditions. This variant is not present in population databases (gnomAD no frequency).